The following is an entry in ClinVar:

ClinVar aggregate classification (germline): Uncertain significance (1 of 4 stars; one submission).

Conditions:
Cardiovascular phenotype. Identifiers: MedGen CN230736.

Allele frequency attached by ClinVar (database versions not stated): TOPMed below 0.00001; gnomAD exomes 0.00001.

Submission:

Ambry Genetics
Classification: Uncertain significance for Cardiovascular phenotype. Last evaluated: 2023-02-28. Review status: criteria provided, single submitter. Criteria: Ambry Variant Classification Scheme 2023. Collection method: clinical testing. Allele origin: germline.
Comment: The c.369C>A variant (also known as p.V123V), located in coding exon 2 of the RBM20 gene, results from a C to A substitution at nucleotide position 369. This nucleotide substitution does not change the valine at codon 123. This nucleotide position is well conserved in available vertebrate species. In silico splice site analysis for this alteration is inconclusive. Since supporting evidence is limited at this time, the clinical significance of this alteration remains unclear.

NM_001134363.3(RBM20):c.369C>A (p.Val123=)

Gene: RBM20 (RNA binding motif protein 20; plus strand). Cytogenetic location: 10q25.2.
Variant type: single nucleotide variant.
Coding change: c.369C>A on transcript NM_001134363.3 (MANE Select); coding-DNA position 369, C replaced by A.
Protein change: p.Val123=; no amino-acid change (valine 123 retained).
Molecular consequence: synonymous variant.
Genome position (GRCh38, 1-based): chr10:110,780,978, C>A. VCF-style: chr10-110780978-C-A. GRCh37 (hg19) VCF-style: chr10-112540736-C-A.
Identifiers: ClinVar variation 2449397 (VCV002449397.2), dbSNP rs997721675, ClinGen allele CA213234600.